The following is an entry in ClinVar:

NM_001953.5(TYMP):c.1249C>G (p.Leu417Val)

Genes: SCO2 (synthesis of cytochrome C oxidase 2; minus strand), TYMP (thymidine phosphorylase; minus strand), LOC130067862 (ATAC-STARR-seq lymphoblastoid silent region 13986; plus strand). Cytogenetic location: 22q13.33.
Variant type: single nucleotide variant.
Coding change: c.1249C>G on transcript NM_001953.5 (MANE Select); coding-DNA position 1249, C replaced by G.
Protein change: p.Leu417Val; replaces leucine 417 with valine.
Molecular consequence: missense variant. On other transcripts: 5 prime UTR variant (1), intron variant (1).
Genome position (GRCh38, 1-based): chr22:50,526,052, G>C on the plus strand (C>G on the coding strand, the complement: TYMP is on the minus strand). VCF-style: chr22-50526052-G-C. GRCh37 (hg19) VCF-style: chr22-50964481-G-C.
Other names: c.1249C>G, p.Leu417Val (NM_001113755.3, NM_001113756.3, NM_001257988.1); c.1264C>G, p.Leu422Val (NM_001257989.1); c.-65C>G (NM_001169110.1); c.-14+194C>G (NM_001169109.2); short protein forms L417V, L422V.
Identifiers: ClinVar variation 2062275 (VCV002062275.2), dbSNP rs2069349933, ClinGen allele CA412196857.

ClinVar aggregate classification (germline): Uncertain significance (1 of 4 stars; one submission).

Allele frequency attached by ClinVar (database versions not stated): TOPMed below 0.00001.

Submission:

Labcorp Genetics (formerly Invitae), Labcorp
Classification: Uncertain significance. Last evaluated: 2022-08-17. Review status: criteria provided, single submitter. Criteria: Invitae Variant Classification Sherloc (09022015). Collection method: clinical testing. Allele origin: germline.
Comment: In summary, the available evidence is currently insufficient to determine the role of this variant in disease. Therefore, it has been classified as a Variant of Uncertain Significance. Advanced modeling of protein sequence and biophysical properties (such as structural, functional, and spatial information, amino acid conservation, physicochemical variation, residue mobility, and thermodynamic stability) performed at Invitae indicates that this missense variant is not expected to disrupt TYMP protein function. This variant has not been reported in the literature in individuals affected with TYMP-related conditions. This variant is not present in population databases (gnomAD no frequency). This sequence change replaces leucine, which is neutral and non-polar, with valine, which is neutral and non-polar, at codon 417 of the TYMP protein (p.Leu417Val).